The following is an entry in ClinVar:

NM_001205293.3(CACNA1E):c.2504_2521del (p.Gly835_Leu840del)

Gene: CACNA1E (calcium voltage-gated channel subunit alpha1 E; plus strand). Cytogenetic location: 1q25.3.
Variant type: Deletion.
Coding change: c.2504_2521del on transcript NM_001205293.3 (MANE Select); coding-DNA positions 2504 to 2521, 18 bases deleted (GCCTGGCCCTGGGCCTGG).
Protein change: p.Gly835_Leu840del.
Molecular consequence: inframe deletion.
Genome position (GRCh38, 1-based): chr1:181,732,590-181,732,607, GCCTGGCCCTGGGCCTGG deleted; deleting any 18 consecutive bases within chr1:181,732,588-181,732,607 gives the same sequence; the c. name uses the placement nearest the transcript's 3' end. VCF-style (leftmost placement, unchanged base first): chr1-181732587-AGGGCCTGGCCCTGGGCCT-A. GRCh37 (hg19) VCF-style: chr1-181701723-AGGGCCTGGCCCTGGGCCT-A.
Other names: c.2504_2521del, p.Gly835_Leu840del (NM_000721.4); c.2447_2464del, p.Gly816_Leu821del (NM_001205294.2).
Identifiers: ClinVar variation 1410934 (VCV001410934.6), dbSNP rs2102550440, ClinGen allele CA2573131295.

ClinVar aggregate classification (germline): Uncertain significance (1 of 4 stars; one submission).

Submission:

Labcorp Genetics (formerly Invitae), Labcorp
Classification: Uncertain significance. Last evaluated: 2021-08-31. Review status: criteria provided, single submitter. Criteria: Invitae Variant Classification Sherloc (09022015). Collection method: clinical testing. Allele origin: germline.
Comment: This variant, c.2504_2521del, results in the deletion of 6 amino acid(s) of the CACNA1E protein (p.Gly835_Leu840del), but otherwise preserves the integrity of the reading frame. This variant is not present in population databases (ExAC no frequency). This variant has not been reported in the literature in individuals affected with CACNA1E-related conditions. Experimental studies and prediction algorithms are not available or were not evaluated, and the functional significance of this variant is currently unknown. In summary, the available evidence is currently insufficient to determine the role of this variant in disease. Therefore, it has been classified as a Variant of Uncertain Significance.